The following is an entry in ClinVar:

NM_033026.6(PCLO):c.8236G>C (p.Asp2746His)

Gene: PCLO (piccolo presynaptic cytomatrix protein; minus strand). Cytogenetic location: 7q21.11.
Variant type: single nucleotide variant.
Coding change: c.8236G>C on transcript NM_033026.6 (MANE Select); coding-DNA position 8236, G replaced by C.
Protein change: p.Asp2746His; replaces aspartic acid 2746 with histidine.
Molecular consequence: missense variant.
Genome position (GRCh38, 1-based): chr7:82,952,717, C>G on the plus strand (G>C on the coding strand, the complement: PCLO is on the minus strand). VCF-style: chr7-82952717-C-G. GRCh37 (hg19) VCF-style: chr7-82582033-C-G.
Other names: c.8236G>C, p.Asp2746His (NM_014510.3); short protein forms D2746H.
Identifiers: ClinVar variation 1475646 (VCV001475646.5), dbSNP rs867757008, ClinGen allele CA161145462.

ClinVar aggregate classification (germline): Uncertain significance (1 of 4 stars; one submission).

Allele frequency attached by ClinVar (database versions not stated): gnomAD exomes below 0.00001.
gnomAD v4.1: 2 of 1,613,748 alleles (0.00012%); highest among the groups gnomAD compares: Non-Finnish European, 0.00017%; no homozygotes.

Submission:

Labcorp Genetics (formerly Invitae), Labcorp
Classification: Uncertain significance. Last evaluated: 2021-08-28. Review status: criteria provided, single submitter. Criteria: Invitae Variant Classification Sherloc (09022015). Collection method: clinical testing. Allele origin: germline.
Comment: This sequence change replaces aspartic acid with histidine at codon 2746 of the PCLO protein (p.Asp2746His). The aspartic acid residue is highly conserved and there is a moderate physicochemical difference between aspartic acid and histidine. This variant is not present in population databases (ExAC no frequency). This variant has not been reported in the literature in individuals affected with PCLO-related conditions. Algorithms developed to predict the effect of missense changes on protein structure and function are either unavailable or do not agree on the potential impact of this missense change (SIFT: "Deleterious"; PolyPhen-2: "Not Available"; Align-GVGD: "Class C0"). In summary, the available evidence is currently insufficient to determine the role of this variant in disease. Therefore, it has been classified as a Variant of Uncertain Significance.